The following is an entry in ClinVar:

NM_005006.7(NDUFS1):c.154-8A>C

Gene: NDUFS1 (NADH:ubiquinone oxidoreductase core subunit S1; minus strand). Cytogenetic location: 2q33.3.
Variant type: single nucleotide variant.
Coding change: c.154-8A>C on transcript NM_005006.7 (MANE Select); 8 bases into the intron before coding-DNA position 154, A replaced by C.
Molecular consequence: intron variant.
Genome position (GRCh38, 1-based): chr2:206,149,933, T>G on the plus strand (A>C on the coding strand, the complement: NDUFS1 is on the minus strand). VCF-style: chr2-206149933-T-G. GRCh37 (hg19) VCF-style: chr2-207014657-T-G.
Other names: c.6-2099A>C (NM_001199982.2); c.-18-8A>C (NM_001199983.2); c.154-837A>C (NM_001199981.2); c.196-8A>C (NM_001199984.2); c.154-8A>C (NM_005006.6).
Identifiers: ClinVar variation 4711107 (VCV004711107.2).

ClinVar aggregate classification (germline): Likely benign. Review status: criteria provided, multiple submitters, no conflicts (2 of 4 stars). 2 submissions from 2 submitters: Likely benign (2). Last evaluated 2026-08-17.

Conditions:
NDUFS1-related disorder. Also called: NDUFS1-related condition.

Submissions (2):

PreventionGenetics, part of Exact Sciences
Classification: Likely benign for NDUFS1-related condition. Last evaluated: 2026-08-17. Review status: criteria provided, single submitter. Criteria: ACMG Guidelines, 2015. Collection method: clinical testing. Allele origin: germline.
Comment: This variant is classified as likely benign based on ACMG/AMP sequence variant interpretation guidelines (Richards et al. 2015 PMID: 25741868, with internal and published modifications).

Labcorp Genetics (formerly Invitae), Labcorp
Classification: Likely benign. Last evaluated: 2026-01-23. Review status: criteria provided, single submitter. Criteria: Invitae Variant Classification Sherloc (09022015). Collection method: clinical testing. Allele origin: germline.